The following is an entry in ClinVar:

NM_024741.3(ZNF408):c.1184G>T (p.Ser395Ile)

Gene: ZNF408 (zinc finger protein 408; plus strand). Cytogenetic location: 11p11.2.
Variant type: single nucleotide variant.
Coding change: c.1184G>T on transcript NM_024741.3 (MANE Select); coding-DNA position 1184, G replaced by T.
Protein change: p.Ser395Ile; replaces serine 395 with isoleucine.
Molecular consequence: missense variant.
Genome position (GRCh38, 1-based): chr11:46,704,884, G>T. VCF-style: chr11-46704884-G-T. GRCh37 (hg19) VCF-style: chr11-46726434-G-T.
Other names: c.1160G>T, p.Ser387Ile (NM_001184751.2); short protein forms S395I, S387I.
Identifiers: ClinVar variation 3657644 (VCV003657644.2).

ClinVar aggregate classification (germline): Uncertain significance (1 of 4 stars; one submission).

gnomAD v4.1: 1 of 1,609,988 alleles (0.000062%); highest among the groups gnomAD compares: Non-Finnish European, 0.000085%; no homozygotes.

Submission:

Labcorp Genetics (formerly Invitae), Labcorp
Classification: Uncertain significance. Last evaluated: 2024-06-24. Review status: criteria provided, single submitter. Criteria: Invitae Variant Classification Sherloc (09022015). Collection method: clinical testing. Allele origin: germline.
Comment: This sequence change replaces serine, which is neutral and polar, with isoleucine, which is neutral and non-polar, at codon 395 of the ZNF408 protein (p.Ser395Ile). This variant is not present in population databases (gnomAD no frequency). This variant has not been reported in the literature in individuals affected with ZNF408-related conditions. An algorithm developed to predict the effect of missense changes on protein structure and function (PolyPhen-2) suggests that this variant is likely to be disruptive. In summary, the available evidence is currently insufficient to determine the role of this variant in disease. Therefore, it has been classified as a Variant of Uncertain Significance.